The following is an entry in ClinVar:

NM_000384.3(APOB):c.8243A>G (p.His2748Arg)

Gene: APOB (apolipoprotein B; minus strand). Cytogenetic location: 2p24.1.
Variant type: single nucleotide variant.
Coding change: c.8243A>G on transcript NM_000384.3 (MANE Select); coding-DNA position 8243, A replaced by G.
Protein change: p.His2748Arg; replaces histidine 2748 with arginine.
Molecular consequence: missense variant.
Genome position (GRCh38, 1-based): chr2:21,008,625, T>C on the plus strand (A>G on the coding strand, the complement: APOB is on the minus strand). VCF-style: chr2-21008625-T-C. GRCh37 (hg19) VCF-style: chr2-21231497-T-C.
Other names: short protein forms H2748R.
Identifiers: ClinVar variation 641188 (VCV000641188.10), dbSNP rs1049705142, ClinGen allele CA43500922.
Genomic context (GRCh38, chr2:21,008,625, plus strand): 5'-AGAGGAGATTGGATTTTCAGAATACTGTATAGCTTGCCAAAAGTAGGTACTTCAATTGTG[T>C]GTGAGATGTGGGGAAGCTGGAATTCTGGTATGTGAAGGTCAGGAACTTGAAAATCATTAA-3'
Protein context (NP_000375.3, residues 2738-2758): IPEFQLPHIS[His2748Arg]TIEVPTFGKL

ClinVar aggregate classification (germline): Uncertain significance. Review status: criteria provided, multiple submitters, no conflicts (2 of 4 stars). 2 submissions from 2 submitters: Uncertain significance (2). Last evaluated 2021-09-01.

Conditions:
Hypercholesterolemia, autosomal dominant, type B (FHCL2). Also called: APOB-Related Familial Hypercholesterolemia, Autosomal Dominant; Hyperlipoproteinemia Type IIb; Familial Hypercholesterolemia Type B; APOLIPOPROTEIN B-100, FAMILIAL DEFECTIVE; APOLIPOPROTEIN B-100, FAMILIAL LIGAND-DEFECTIVE; Familial hypercholesterolemia 2. Identifiers: MedGen C1704417, MONDO:0007751, OMIM 144010.
Familial hypobetalipoproteinemia 1. Also called: APOB-Related Familial Hypobetalipoproteinemia; Hypobetalipoproteinemia, normotriglyceridemic; Acanthocytosis with hypobetalipoproteinemia. Identifiers: MedGen C4551990, MONDO:0014252, OMIM 615558.
Cardiovascular phenotype. Identifiers: MedGen CN230736.

Allele frequency attached by ClinVar (database versions not stated): TOPMed below 0.00001; gnomAD 0.00001; gnomAD exomes 0.00001.
gnomAD v4.1: 7 of 1,613,958 alleles (0.00043%); highest among the groups gnomAD compares: Non-Finnish European, 0.00059%; no homozygotes.

Submissions (2):

Labcorp Genetics (formerly Invitae), Labcorp
Classification: Uncertain significance for Familial hypobetalipoproteinemia 1; Hypercholesterolemia, autosomal dominant, type B. Last evaluated: 2021-09-01. Review status: criteria provided, single submitter. Criteria: Invitae Variant Classification Sherloc (09022015). Collection method: clinical testing. Allele origin: germline.
Comment: This sequence change replaces histidine with arginine at codon 2748 of the APOB protein (p.His2748Arg). The histidine residue is moderately conserved and there is a small physicochemical difference between histidine and arginine. This variant is not present in population databases (ExAC no frequency). This variant has not been reported in the literature in individuals affected with APOB-related conditions. Algorithms developed to predict the effect of missense changes on protein structure and function (SIFT, PolyPhen-2, Align-GVGD) all suggest that this variant is likely to be tolerated. In summary, the available evidence is currently insufficient to determine the role of this variant in disease. Therefore, it has been classified as a Variant of Uncertain Significance.

Ambry Genetics
Classification: Uncertain significance for Cardiovascular phenotype. Last evaluated: 2019-03-29. Review status: criteria provided, single submitter. Criteria: Ambry Variant Classification Scheme 2023. Collection method: clinical testing. Allele origin: germline.
Comment: The p.H2748R variant (also known as c.8243A>G), located in coding exon 26 of the APOB gene, results from an A to G substitution at nucleotide position 8243. The histidine at codon 2748 is replaced by arginine, an amino acid with highly similar properties. This amino acid position is not well conserved in available vertebrate species. In addition, this alteration is predicted to be tolerated by in silico analysis. Since supporting evidence is limited at this time, the clinical significance of this alteration remains unclear.